The following is an entry in ClinVar:

ClinVar aggregate classification (germline): Uncertain significance. Review status: criteria provided, multiple submitters, no conflicts (2 of 4 stars). 3 submissions from 3 submitters: Uncertain significance (3). Last evaluated 2025-04-12.

Conditions:
Inborn genetic diseases. Identifiers: MedGen C0950123, MeSH D030342.
Bartter disease type 2. Also called: HYPOKALEMIC ALKALOSIS WITH HYPERCALCIURIA 2, ANTENATAL; HYPERPROSTAGLANDIN E SYNDROME 2; Bartter syndrome, type 2, antenatal. Identifiers: Orphanet 112, Orphanet 620220, MedGen C1855849, MONDO:0009424, OMIM 241200.

Allele frequency attached by ClinVar (database versions not stated): gnomAD 0.00004 and 0.00007; gnomAD exomes 0.00004 and 0.00006; TOPMed 0.00004; ExAC 0.00007; ESP Exome Variant Server 0.00015; 1000 Genomes Project 0.00040; 1000 Genomes Project 30x 0.00062.
gnomAD v4.1: 66 of 1,614,108 alleles (0.0041%); highest among the groups gnomAD compares: South Asian, 0.03%; no homozygotes.

Submissions (3):

Ambry Genetics
Classification: Uncertain significance for Inborn genetic diseases. Last evaluated: 2025-04-12. Review status: criteria provided, single submitter. Criteria: Ambry Variant Classification Scheme 2023. Collection method: clinical testing. Allele origin: germline.

Fulgent Genetics
Classification: Uncertain significance for Bartter disease type 2. Last evaluated: 2024-05-22. Review status: criteria provided, single submitter. Criteria: ACMG Guidelines, 2015. Collection method: clinical testing. Allele origin: germline.

Labcorp Genetics (formerly Invitae), Labcorp
Classification: Uncertain significance. Last evaluated: 2021-09-01. Review status: criteria provided, single submitter. Criteria: Invitae Variant Classification Sherloc (09022015). Collection method: clinical testing. Allele origin: germline.
Comment: This sequence change replaces arginine with cysteine at codon 31 of the KCNJ1 protein (p.Arg31Cys). The arginine residue is weakly conserved and there is a large physicochemical difference between arginine and cysteine. This variant is present in population databases (rs139738175, ExAC 0.03%). This variant has not been reported in the literature in individuals affected with KCNJ1-related conditions. Algorithms developed to predict the effect of missense changes on protein structure and function are either unavailable or do not agree on the potential impact of this missense change (SIFT: "Deleterious"; PolyPhen-2: "Benign"; Align-GVGD: "Class C0"). In summary, the available evidence is currently insufficient to determine the role of this variant in disease. Therefore, it has been classified as a Variant of Uncertain Significance.

NM_153766.3(KCNJ1):c.34C>T (p.Arg12Cys)

Gene: KCNJ1 (potassium inwardly rectifying channel subfamily J member 1; minus strand). Cytogenetic location: 11q24.3.
Variant type: single nucleotide variant.
Coding change: c.34C>T on transcript NM_153766.3 (MANE Select); coding-DNA position 34, C replaced by T.
Protein change: p.Arg12Cys; replaces arginine 12 with cysteine.
Molecular consequence: missense variant.
Genome position (GRCh38, 1-based): chr11:128,840,210, G>A on the plus strand (C>T on the coding strand, the complement: KCNJ1 is on the minus strand). VCF-style: chr11-128840210-G-A. GRCh37 (hg19) VCF-style: chr11-128710105-G-A.
Other names: c.91C>T (NM_000220.2); c.91C>T, p.Arg31Cys (NM_000220.6); c.34C>T, p.Arg12Cys (NM_153764.3, NM_153767.4); c.85C>T, p.Arg29Cys (NM_153765.3); short protein forms R12C, R31C, R29C.
Identifiers: ClinVar variation 1390397 (VCV001390397.8), dbSNP rs139738175, ClinGen allele CA6357586.